The following is an entry in ClinVar:

NM_001330311.2(DVL1):c.1602G>A (p.Leu534=)

Gene: DVL1 (dishevelled segment polarity protein 1; minus strand). Cytogenetic location: 1p36.33.
Variant type: single nucleotide variant.
Coding change: c.1602G>A on transcript NM_001330311.2 (MANE Select); coding-DNA position 1602, G replaced by A.
Protein change: p.Leu534=; no amino-acid change (leucine 534 retained).
Molecular consequence: synonymous variant.
Genome position (GRCh38, 1-based): chr1:1,338,089, C>T on the plus strand (G>A on the coding strand, the complement: DVL1 is on the minus strand). VCF-style: chr1-1338089-C-T. GRCh37 (hg19) VCF-style: chr1-1273469-C-T.
Other names: c.1527G>A, p.Leu509= (NM_004421.3).
Identifiers: ClinVar variation 1050534 (VCV001050534.1), dbSNP rs752706599, ClinGen allele CA415764127.

ClinVar aggregate classification (germline): Uncertain significance (0 of 4 stars; one submission).

Submission:

Department of Pathology and Laboratory Medicine, Sinai Health System
Classification: Uncertain significance. Review status: no assertion criteria provided. Collection method: clinical testing. Allele origin: unknown. Affected: yes. Study: The Canadian Open Genetics Repository (COGR).
Comment: The DVL1 p.Leu509Leu variant was not identified in the literature nor was it identified in dbSNP, ClinVar or in the following control databases: the 1000 Genomes Project, the NHLBI GO Exome Sequencing Project, or the Genome Aggregation Database (March 6, 2019, v2.1.1). The p.Leu509Leu variant is not expected to have clinical significance because it does not result in a change of amino acid and is not located in a known consensus splice site. However, 4 of 4 in silico or computational prediction software programs (SpliceSiteFinder, MaxEntScan, NNSPLICE, GeneSplicer) predict a greater than 10% difference in splicing. However, this has not been confirmed by RNA analysis and is not predictive enough to assume pathogenicity. In summary, based on the above information the clinical significance of this variant cannot be determined with certainty at this time. This variant is classified as a variant of uncertain significance.